The following is an entry in ClinVar:

ClinVar aggregate classification (germline): Uncertain significance (1 of 4 stars; one submission).

gnomAD v4.1: 4 of 1,613,590 alleles (0.00025%); highest among the groups gnomAD compares: Non-Finnish European, 0.00034%; no homozygotes.

Submission:

GeneDx
Classification: Uncertain significance. Last evaluated: 2024-01-24. Review status: criteria provided, single submitter. Criteria: GeneDx Variant Classification Process June 2021. Collection method: clinical testing. Allele origin: germline. Affected: yes.
Comment: Not observed at significant frequency in large population cohorts (gnomAD); In silico analysis supports that this missense variant does not alter protein structure/function; Has not been previously published as pathogenic or benign to our knowledge

NM_000875.5(IGF1R):c.957G>A (p.Met319Ile)

Genes: IGF1R (insulin like growth factor 1 receptor; plus strand), LOC126862245 (P300/CBP strongly-dependent group 1 enhancer GRCh37_chr15:99439536-99440735; plus strand). Cytogenetic location: 15q26.3.
Variant type: single nucleotide variant.
Coding change: c.957G>A on transcript NM_000875.5 (MANE Select); coding-DNA position 957, G replaced by A.
Protein change: p.Met319Ile; replaces methionine 319 with isoleucine.
Molecular consequence: missense variant.
Genome position (GRCh38, 1-based): chr15:98,896,760, G>A. VCF-style: chr15-98896760-G-A. GRCh37 (hg19) VCF-style: chr15-99439989-G-A.
Other names: c.957G>A, p.Met319Ile (NM_001291858.2); short protein forms M319I.
Identifiers: ClinVar variation 3368282 (VCV003368282.1).
Genomic context (GRCh38, chr15:98,896,760, plus strand): 5'-TGCAAGAAGACAGACTCAATTATGTGTGTTTTTGATTTTTTTTTTCTTCTTCAACAGCAT[G>A]TACTGCATCCCTTGTGAAGGTCCTTGCCCGAAGGTCTGTGAGGAAGAAAAGAAAACAAAG-3'
Protein context (NP_000866.1, residues 309-329): SGFIRNGSQS[Met319Ile]YCIPCEGPCP